The following is an entry in ClinVar:

ClinVar aggregate classification (germline): Likely benign (1 of 4 stars; one submission).

Conditions:
RPS6KA3-related disorder. Also called: RPS6KA3-related condition.

gnomAD v4.1: 12 of 1,209,710 alleles (0.00099%); highest among the groups gnomAD compares: Non-Finnish European, 0.0013%; no homozygotes.

Submission:

PreventionGenetics, part of Exact Sciences
Classification: Likely benign for RPS6KA3-related condition. Last evaluated: 2026-01-22. Review status: criteria provided, single submitter. Criteria: ACMG Guidelines, 2015. Collection method: clinical testing. Allele origin: germline.
Comment: This variant is classified as likely benign based on ACMG/AMP sequence variant interpretation guidelines (Richards et al. 2015 PMID: 25741868, with internal and published modifications).

NM_004586.3(RPS6KA3):c.1743T>A (p.Thr581=)

Gene: RPS6KA3 (ribosomal protein S6 kinase A3; minus strand). Cytogenetic location: Xp22.12.
Variant type: single nucleotide variant.
Coding change: c.1743T>A on transcript NM_004586.3 (MANE Select); coding-DNA position 1743, T replaced by A.
Protein change: p.Thr581=; no amino-acid change (threonine 581 retained).
Molecular consequence: synonymous variant.
Genome position (GRCh38, 1-based): chrX:20,164,920, A>T on the plus strand (T>A on the coding strand, the complement: RPS6KA3 is on the minus strand). VCF-style: chrX-20164920-A-T. GRCh37 (hg19) VCF-style: chrX-20183038-A-T.
Other names: c.1659T>A, p.Thr553= (NM_001438340.1).
Identifiers: ClinVar variation 4989181 (VCV004989181.1).
Genomic context (GRCh38, chrX:20,164,920, plus strand): 5'-AAACATACTAATACTGCAAGCAAACTCTCTCACAATTACCTCTGGTGCAACAAAATTTGC[A>T]GTGTAACAAGGAGTCATGAGAAGACCATTTTCCGCTCTCAGCTGTTTTGCAAAGCCAAAA-3'
Protein context (NP_004577.1, residues 571-591): ENGLLMTPCY[Thr581=]ANFVAPEVLK